The following is an entry in ClinVar:

ClinVar aggregate classification (germline): Uncertain significance (1 of 4 stars; one submission).

Allele frequency attached by ClinVar (database versions not stated): gnomAD exomes below 0.00001; ExAC 0.00001; gnomAD 0.00003; TOPMed 0.00003.
gnomAD v4.1: 5 of 1,614,044 alleles (0.00031%); highest among the groups gnomAD compares: African/African-American, 0.0067%; no homozygotes.

Submission:

GeneDx
Classification: Uncertain significance. Last evaluated: 2022-11-17. Review status: criteria provided, single submitter. Criteria: GeneDx Variant Classification Process June 2021. Collection method: clinical testing. Allele origin: germline. Affected: yes.
Comment: Not observed at significant frequency in large population cohorts (gnomAD); In silico analysis supports that this missense variant has a deleterious effect on protein structure/function; Has not been previously published as pathogenic or benign to our knowledge

NM_005559.4(LAMA1):c.3767C>A (p.Pro1256His)

Gene: LAMA1 (laminin subunit alpha 1; minus strand). Cytogenetic location: 18p11.31.
Variant type: single nucleotide variant.
Coding change: c.3767C>A on transcript NM_005559.4 (MANE Select); coding-DNA position 3767, C replaced by A.
Protein change: p.Pro1256His; replaces proline 1256 with histidine.
Molecular consequence: missense variant.
Genome position (GRCh38, 1-based): chr18:7,010,306, G>T on the plus strand (C>A on the coding strand, the complement: LAMA1 is on the minus strand). VCF-style: chr18-7010306-G-T. GRCh37 (hg19) VCF-style: chr18-7010305-G-T.
Other names: short protein forms P1256H.
Identifiers: ClinVar variation 2502476 (VCV002502476.1), dbSNP rs768986205, ClinGen allele CA8882147.